The following is an entry in ClinVar:

ClinVar aggregate classification (germline): Uncertain significance (1 of 4 stars; one submission).

Conditions:
Cardiovascular phenotype. Identifiers: MedGen CN230736.

gnomAD v4.1: 1 of 1,613,964 alleles (0.000062%); highest among the groups gnomAD compares: Admixed American, 0.0017%; no homozygotes.

Submission:

Ambry Genetics
Classification: Uncertain significance for Cardiovascular phenotype. Last evaluated: 2022-06-09. Review status: criteria provided, single submitter. Criteria: Ambry Variant Classification Scheme 2023. Collection method: clinical testing. Allele origin: germline.
Comment: The p.R2500G variant (also known as c.7498A>G), located in coding exon 31 of the AKAP9 gene, results from an A to G substitution at nucleotide position 7498. The arginine at codon 2500 is replaced by glycine, an amino acid with dissimilar properties. This amino acid position is conserved. In addition, this alteration is predicted to be tolerated by in silico analysis. Since supporting evidence is limited at this time, the clinical significance of this alteration remains unclear.

NM_005751.5(AKAP9):c.7498A>G (p.Arg2500Gly)

Gene: AKAP9 (A-kinase anchoring protein 9; plus strand). Cytogenetic location: 7q21.2.
Variant type: single nucleotide variant.
Coding change: c.7498A>G on transcript NM_005751.5 (MANE Select); coding-DNA position 7498, A replaced by G.
Protein change: p.Arg2500Gly; replaces arginine 2500 with glycine.
Molecular consequence: missense variant.
Genome position (GRCh38, 1-based): chr7:92,079,631, A>G. VCF-style: chr7-92079631-A-G. GRCh37 (hg19) VCF-style: chr7-91708945-A-G.
Other names: c.2143A>G, p.Arg715Gly (NM_001379277.1); c.7474A>G, p.Arg2492Gly (NM_147185.3); short protein forms R2500G, R715G, R2492G.
Identifiers: ClinVar variation 1759175 (VCV001759175.2), dbSNP rs1205692229, ClinGen allele CA368135861.
Genomic context (GRCh38, chr7:92,079,631, plus strand): 5'-CAGACATACTTCAAATCTTTTGAAGAAAATGGCAAAGGTTCCATAATTAATTTGGAAACA[A>G]GGTTGCTACAACTTGAGAGCACTGTTAGTGCAAAGGACTTAGAACTTACCCAGTGTTATA-3'
Protein context (NP_005742.4, residues 2490-2510): GKGSIINLET[Arg2500Gly]LLQLESTVSA